The following is an entry in ClinVar:

NM_001130438.3(SPTAN1):c.937G>A (p.Ala313Thr)

Gene: SPTAN1 (spectrin alpha, non-erythrocytic 1; plus strand). Cytogenetic location: 9q34.11.
Variant type: single nucleotide variant.
Coding change: c.937G>A on transcript NM_001130438.3 (MANE Select); coding-DNA position 937, G replaced by A.
Protein change: p.Ala313Thr; replaces alanine 313 with threonine.
Molecular consequence: missense variant.
Genome position (GRCh38, 1-based): chr9:128,577,358, G>A. VCF-style: chr9-128577358-G-A. GRCh37 (hg19) VCF-style: chr9-131339637-G-A.
Other names: c.937G>A, p.Ala313Thr (NM_001195532.2, NM_001363759.2, NM_001363765.2 and 5 more transcripts); c.973G>A, p.Ala325Thr (NM_001375312.2, NM_001375318.1); short protein forms A325T, A313T.
Identifiers: ClinVar variation 3009474 (VCV003009474.3), dbSNP rs778408492, ClinGen allele CA375049119.

ClinVar aggregate classification (germline): Uncertain significance (1 of 4 stars; one submission).

Conditions:
Early-infantile DEE. Also called: Early infantile epileptic encephalopathy; Ohtahara syndrome; Early infantile epileptic encephalopathy with suppression bursts. Identifiers: Orphanet 1934, MedGen C0393706, MONDO:0800491.

Allele frequency attached by ClinVar (database versions not stated): gnomAD exomes below 0.00001.

Submission:

Labcorp Genetics (formerly Invitae), Labcorp
Classification: Uncertain significance for Early-infantile DEE. Last evaluated: 2025-10-28. Review status: criteria provided, single submitter. Criteria: Invitae Variant Classification Sherloc (09022015). Collection method: clinical testing. Allele origin: germline.
Comment: This sequence change replaces alanine, which is neutral and non-polar, with threonine, which is neutral and polar, at codon 313 of the SPTAN1 protein (p.Ala313Thr). This variant is not present in population databases (gnomAD no frequency). This variant has not been reported in the literature in individuals affected with SPTAN1-related conditions. ClinVar contains an entry for this variant (Variation ID: 3009474). Invitae Evidence Modeling of protein sequence and biophysical properties (such as structural, functional, and spatial information, amino acid conservation, physicochemical variation, residue mobility, and thermodynamic stability) has been performed for this missense variant. However, the output from this modeling did not meet the statistical confidence thresholds required to predict the impact of this variant on SPTAN1 protein function. In summary, the available evidence is currently insufficient to determine the role of this variant in disease. Therefore, it has been classified as a Variant of Uncertain Significance.